The following is an entry in ClinVar:

ClinVar aggregate classification (germline): Conflicting classifications of pathogenicity. Review status: criteria provided, conflicting classifications (1 of 4 stars). 4 submissions from 4 submitters: Uncertain significance (1); Benign (1); Likely benign (1). 1 of the submissions does not count toward it. Last evaluated 2025-11-25.

Conditions:
Inborn genetic diseases. Identifiers: MedGen C0950123, MeSH D030342.
AUTS2-related disorder. Also called: AUTS2-related condition.

Allele frequency attached by ClinVar (database versions not stated): 1000 Genomes Project 30x 0.00016; 1000 Genomes Project 0.00020; ESP Exome Variant Server 0.00038.
gnomAD v4.1: 54 of 1,613,982 alleles (0.0033%); highest among the groups gnomAD compares: African/African-American, 0.065%; no homozygotes.

Submissions (4):

Labcorp Genetics (formerly Invitae), Labcorp
Classification: Benign. Last evaluated: 2025-11-25. Review status: criteria provided, single submitter. Criteria: Invitae Variant Classification Sherloc (09022015). Collection method: clinical testing. Allele origin: germline.

Women's Health and Genetics/Laboratory Corporation of America, LabCorp
Classification: Uncertain significance. Last evaluated: 2025-02-04. Review status: criteria provided, single submitter. Criteria: LabCorp Variant Classification Summary - May 2015. Collection method: clinical testing. Allele origin: germline.
Comment: Variant summary: AUTS2 c.980G>C (p.Arg327Pro) results in a non-conservative amino acid change in the encoded protein sequence. Three of five in-silico tools predict a benign effect of the variant on protein function. The variant allele was found at a frequency of 4.8e-05 in 250322 control chromosomes. This frequency is not significantly higher than estimated for a pathogenic variant in AUTS2 causing Autism Spectrum Disorder Due To AUTS2 Deficiency, allowing no conclusion about variant significance. To our knowledge, no occurrence of c.980G>C in individuals affected with Autism Spectrum Disorder Due To AUTS2 Deficiency and no experimental evidence demonstrating its impact on protein function have been reported. ClinVar contains an entry for this variant (Variation ID: 1961714). Based on the evidence outlined above, the variant was classified as uncertain significance.

Ambry Genetics
Classification: Likely benign for Inborn genetic diseases. Last evaluated: 2024-07-09. Review status: criteria provided, single submitter. Criteria: Ambry Variant Classification Scheme 2023. Collection method: clinical testing. Allele origin: germline.

PreventionGenetics, part of Exact Sciences
Classification: Likely benign for AUTS2-related condition. Last evaluated: 2022-06-17. Review status: no assertion criteria provided. Collection method: clinical testing. Allele origin: germline. Not counted in ClinVar's aggregate classification.
Comment: This variant is classified as likely benign based on ACMG/AMP sequence variant interpretation guidelines (Richards et al. 2015 PMID: 25741868, with internal and published modifications).

NM_015570.4(AUTS2):c.980G>C (p.Arg327Pro)

Gene: AUTS2 (activator of transcription and developmental regulator AUTS2; plus strand). Cytogenetic location: 7q11.22.
Variant type: single nucleotide variant.
Coding change: c.980G>C on transcript NM_015570.4 (MANE Select); coding-DNA position 980, G replaced by C.
Protein change: p.Arg327Pro; replaces arginine 327 with proline.
Molecular consequence: missense variant.
Genome position (GRCh38, 1-based): chr7:70,763,107, G>C. VCF-style: chr7-70763107-G-C. GRCh37 (hg19) VCF-style: chr7-70228093-G-C.
Other names: c.980G>C, p.Arg327Pro (NM_001127231.3); c.980G>C (NM_015570.3, NM_015570.2); short protein forms R327P.
Identifiers: ClinVar variation 1961714 (VCV001961714.9), dbSNP rs146706542, ClinGen allele CA4280528.
Genomic context (GRCh38, chr7:70,763,107, plus strand): 5'-CCCAGCCGCAGACGGAGCCCCAACTCCGAGCTCCTTCTCCGGACCCTGACTTGGTGCAGC[G>C]CACAGAGGCCCCACCTCAACCCCCACCTCTGAGTACACAGCCACCACAGGGCCCTCCTGA-3'
Protein context (NP_056385.1, residues 317-337): APSPDPDLVQ[Arg327Pro]TEAPPQPPPL